The following is an entry in ClinVar:

ClinVar aggregate classification (germline): Pathogenic (1 of 4 stars; one submission).

Conditions:
Familial cancer of breast. Also called: BREAST CANCER, FAMILIAL; hereditary breast carcinoma; Hereditary breast cancer. Identifiers: Orphanet 227535, MedGen C0346153, MONDO:0016419, OMIM 114480. Disease mechanism: loss of function.

Submission:

Labcorp Genetics (formerly Invitae), Labcorp
Classification: Pathogenic for Familial cancer of breast. Last evaluated: 2017-07-30. Review status: criteria provided, single submitter. Criteria: Invitae Variant Classification Sherloc (09022015). Collection method: clinical testing. Allele origin: germline.
Comment: This variant is not present in population databases (ExAC no frequency). For these reasons, this variant has been classified as Pathogenic. Loss-of-function variants in CHEK2 are known to be pathogenic (PMID: 21876083, 24713400). This variant has not been reported in the literature in individuals with CHEK2-related disease. This sequence change creates a premature translational stop signal (p.Val109Glufs*2) in the CHEK2 gene. It is expected to result in an absent or disrupted protein product.

Literature cited by the submitters: PubMed 21876083; PubMed 24713400.

NM_007194.4(CHEK2):c.326_327del (p.Val109fs)

Gene: CHEK2 (checkpoint kinase 2; minus strand). Cytogenetic location: 22q12.1.
Variant type: Microsatellite.
Coding change: c.326_327del on transcript NM_007194.4 (MANE Select); coding-DNA positions 326 to 327, 2 bases deleted (TG; older notation c.326_327delTG).
Protein change: p.Val109fs; shifts the reading frame from valine 109.
Molecular consequence: frameshift variant.
Genome position (GRCh38, 1-based): chr22:28,725,360-28,725,361, CA deleted on the plus strand (TG on the coding strand, the reverse complement: CHEK2 is on the minus strand); deleting any 2 consecutive bases within chr22:28,725,360-28,725,365 gives the same sequence; the c. name uses the placement nearest the transcript's 3' end. VCF-style (leftmost placement, unchanged base first): chr22-28725359-TCA-T. GRCh37 (hg19) VCF-style: chr22-29121347-TCA-T.
Other names: c.451_452TG[2], p.Val152Glufs (NM_001005735.3); c.-456_-455TG[2] (NM_001257387.3); c.322_323TG[2], p.Val109Glufs (NM_001349956.3, NM_145862.3); short protein forms V109fs, V152fs.
Identifiers: ClinVar variation 460826 (VCV000460826.7), dbSNP rs1555927398, ClinGen allele CA658656840.